The following is an entry in ClinVar:

NM_058216.3(RAD51C):c.724G>T (p.Asp242Tyr)

Gene: RAD51C (RAD51 paralog C; plus strand). Cytogenetic location: 17q22.
Variant type: single nucleotide variant.
Coding change: c.724G>T on transcript NM_058216.3 (MANE Select); coding-DNA position 724, G replaced by T.
Protein change: p.Asp242Tyr; replaces aspartic acid 242 with tyrosine.
Molecular consequence: missense variant. On other transcripts: non-coding transcript variant (1).
Genome position (GRCh38, 1-based): chr17:58,709,877, G>T. VCF-style: chr17-58709877-G-T. GRCh37 (hg19) VCF-style: chr17-56787238-G-T.
Other names: c.724G>T (NM_058216.1); short protein forms D242Y.
Identifiers: ClinVar variation 1335285 (VCV001335285.41), dbSNP rs876659188, ClinGen allele CA400353282.

ClinVar aggregate classification (germline): Conflicting classifications of pathogenicity. Review status: criteria provided, conflicting classifications (1 of 4 stars). 5 submissions from 5 submitters: Likely pathogenic (3); Uncertain significance (2). Last evaluated 2026-05-12.

Conditions:
Hereditary breast ovarian cancer syndrome. Also called: BRCA1- and BRCA2-Associated Hereditary Breast and Ovarian Cancer; Hereditary breast and ovarian cancer; Hereditary breast and ovarian cancer syndrome (HBOC); Hereditary breast and/or ovarian cancer syndrome; Hereditary breast and ovarian cancer syndrome; Breast and ovarian cancer. Identifiers: Orphanet 145, MedGen C0677776, MeSH D061325, MONDO:0003582. Disease mechanism: loss of function.
Hereditary cancer-predisposing syndrome. Also called: Hereditary Cancer Syndrome; Tumor predisposition; Neoplastic Syndromes, Hereditary; Hereditary neoplastic syndrome. Identifiers: Orphanet 140162, MedGen C0027672, MeSH D009386, MONDO:0015356.
Fanconi anemia complementation group O. Also called: RAD51C-Related Fanconi Anemia. Identifiers: Orphanet 84, MedGen C3150653, MONDO:0013248, OMIM 613390.
Breast-ovarian cancer, familial, susceptibility to, 3. Also called: RAD51C-Related Breast/Ovarian Cancer. Identifiers: Orphanet 145, MedGen C3150659, MONDO:0013253, OMIM 613399.

Submissions (5):

German Consortium for Hereditary Breast and Ovarian Cancer, University Hospital Cologne
Classification: Likely pathogenic for Hereditary breast ovarian cancer syndrome. Last evaluated: 2026-05-12. Review status: criteria provided, single submitter. Criteria: ACMG SVI. Collection method: curation. Allele origin: germline.
Comment: This classification follows the ACMG SVI adaptation classification scheme; We chose these criteria: PS3 (medium pathogenic): Olvera-Leon et al (PMID: 39299233): fast depleted (suppl. tabel 6), PM1 (medium pathogenic): AA important for ATP hydrolysis PMID 40670332, PM2 (supporting pathogenic): absent from gnomAD v4/3/2, PP3 (supporting pathogenic): REVEL = 0.915 (thus > 0.7333)

CeGaT Center for Human Genetics Tuebingen
Classification: Likely pathogenic. Last evaluated: 2025-12-01. Review status: criteria provided, single submitter. Criteria: CeGaT Center For Human Genetics Tuebingen Variant Classification Criteria Version 2. Collection method: clinical testing. Allele origin: germline. Affected: yes. Observed: 1 variant allele.
Comment: RAD51C: PM1, PM2, PS3:Moderate

Myriad Genetics, Inc.
Classification: Likely pathogenic for Breast-ovarian cancer, familial, susceptibility to, 3. Last evaluated: 2024-12-26. Review status: criteria provided, single submitter. Criteria: Myriad Autosomal Dominant, Autosomal Recessive and X-Linked Classification Criteria (2023). Collection method: clinical testing. Allele origin: unknown.
Comment: This variant is considered likely pathogenic. Functional studies indicate this variant impacts protein function [PMID: 39299233, 37253112]. This variant is expected to disrupt protein structure [Myriad internal data].

Labcorp Genetics (formerly Invitae), Labcorp
Classification: Uncertain significance for Fanconi anemia complementation group O. Last evaluated: 2024-03-28. Review status: criteria provided, single submitter. Criteria: Invitae Variant Classification Sherloc (09022015). Collection method: clinical testing. Allele origin: germline.
Comment: This sequence change replaces aspartic acid, which is acidic and polar, with tyrosine, which is neutral and polar, at codon 242 of the RAD51C protein (p.Asp242Tyr). This variant is not present in population databases (gnomAD no frequency). This variant has not been reported in the literature in individuals affected with RAD51C-related conditions. ClinVar contains an entry for this variant (Variation ID: 1335285). Advanced modeling of protein sequence and biophysical properties (such as structural, functional, and spatial information, amino acid conservation, physicochemical variation, residue mobility, and thermodynamic stability) performed at Invitae indicates that this missense variant is expected to disrupt RAD51C protein function with a positive predictive value of 80%. In summary, the available evidence is currently insufficient to determine the role of this variant in disease. Therefore, it has been classified as a Variant of Uncertain Significance.

Ambry Genetics
Classification: Uncertain significance for Hereditary cancer-predisposing syndrome. Last evaluated: 2023-07-05. Review status: criteria provided, single submitter. Criteria: Ambry Variant Classification Scheme 2023. Collection method: clinical testing. Allele origin: germline.
Comment: The p.D242Y variant (also known as c.724G>T), located in coding exon 5 of the RAD51C gene, results from a G to T substitution at nucleotide position 724. The aspartic acid at codon 242 is replaced by tyrosine, an amino acid with highly dissimilar properties. This amino acid position is conserved. In addition, this alteration is predicted to be deleterious by in silico analysis. Since supporting evidence is limited at this time, the clinical significance of this alteration remains unclear.

Literature cited by the submitters: PubMed 39299233 (cited by Myriad Genetics, Inc.); PubMed 37253112 (cited by Myriad Genetics, Inc.).